The following is an entry in ClinVar:

NM_001379286.1(ZNF423):c.1224C>T (p.Asp408=)

Gene: ZNF423 (zinc finger protein 423; minus strand). Cytogenetic location: 16q12.1.
Variant type: single nucleotide variant.
Coding change: c.1224C>T on transcript NM_001379286.1 (MANE Select); coding-DNA position 1224, C replaced by T.
Protein change: p.Asp408=; no amino-acid change (aspartic acid 408 retained).
Molecular consequence: synonymous variant.
Genome position (GRCh38, 1-based): chr16:49,637,952, G>A on the plus strand (C>T on the coding strand, the complement: ZNF423 is on the minus strand). VCF-style: chr16-49637952-G-A. GRCh37 (hg19) VCF-style: chr16-49671863-G-A.
Other names: c.1200C>T (NM_015069.4); c.1020C>T, p.Asp340= (NM_001271620.2); c.849C>T, p.Asp283= (NM_001330533.2); c.1200C>T, p.Asp400= (NM_015069.5).
Identifiers: ClinVar variation 1644327 (VCV001644327.10), dbSNP rs372206769, ClinGen allele CA8046726.
Genomic context (GRCh38, chr16:49,637,952, plus strand): 5'-GTTAAAGTCCCGCTTGGAACAATAGGGGCAGCTATAGACCACCTTGGTCCAGCCCTGCCC[G>A]TCATCCCGCATCTTCTTCTGCCCCCGCAGCGGCTTCAAGGTGGAGTCCGGGGTGGAGCCA-3'
Protein context (NP_001366215.1, residues 398-418): PLRGQKKMRD[Asp408=]GQGWTKVVYS

ClinVar aggregate classification (germline): Likely benign. Review status: criteria provided, multiple submitters, no conflicts (2 of 4 stars). 3 submissions from 3 submitters: Likely benign (3). Last evaluated 2026-08-26.

Conditions:
Nephronophthisis 14 (NPHP14). Identifiers: Orphanet 2318, MedGen C3539071, MONDO:0013916, OMIM 614844.
ZNF423-related disorder. Also called: ZNF423-related condition.

Allele frequency attached by ClinVar (database versions not stated): gnomAD 0.00006 and 0.00007; TOPMed 0.00006; ExAC 0.00008; gnomAD exomes 0.00008; ESP Exome Variant Server 0.00015; 1000 Genomes Project 30x 0.00016; 1000 Genomes Project 0.00020.
gnomAD v4.1: 126 of 1,614,086 alleles (0.0078%); highest among the groups gnomAD compares: Non-Finnish European, 0.0092%; no homozygotes.

Submissions (3):

PreventionGenetics, part of Exact Sciences
Classification: Likely benign for ZNF423-related condition. Last evaluated: 2026-08-26. Review status: criteria provided, single submitter. Criteria: ACMG Guidelines, 2015. Collection method: clinical testing. Allele origin: germline.
Comment: This variant is classified as likely benign based on ACMG/AMP sequence variant interpretation guidelines (Richards et al. 2015 PMID: 25741868, with internal and published modifications).

Labcorp Genetics (formerly Invitae), Labcorp
Classification: Likely benign for Nephronophthisis 14. Last evaluated: 2025-11-17. Review status: criteria provided, single submitter. Criteria: Invitae Variant Classification Sherloc (09022015). Collection method: clinical testing. Allele origin: germline.

Blueprint Genetics
Classification: Likely benign. Last evaluated: 2022-08-13. Review status: criteria provided, single submitter. Criteria: ACMG Guidelines, 2015. Collection method: clinical testing. Allele origin: germline.